The following is an entry in ClinVar:

NM_005026.5(PIK3CD):c.2055+5G>A

Gene: PIK3CD (phosphatidylinositol-4,5-bisphosphate 3-kinase catalytic subunit delta; plus strand). Cytogenetic location: 1p36.22.
Variant type: single nucleotide variant.
Coding change: c.2055+5G>A on transcript NM_005026.5 (MANE Select); 5 bases into the intron after coding-DNA position 2055, G replaced by A.
Molecular consequence: intron variant.
Genome position (GRCh38, 1-based): chr1:9,721,865, G>A. VCF-style: chr1-9721865-G-A. GRCh37 (hg19) VCF-style: chr1-9781923-G-A.
Other names: c.2052+5G>A (NM_001350234.2); c.1968+5G>A (NM_001350235.1).
Identifiers: ClinVar variation 1064359 (VCV001064359.7), dbSNP rs1648720883, ClinGen allele CA998461836.

ClinVar aggregate classification (germline): Uncertain significance (1 of 4 stars; one submission).

Conditions:
Immunodeficiency 14 (IMD14A). Also called: ACTIVATED PI3K-DELTA SYNDROME 1; IMMUNODEFICIENCY 14A WITH LYMPHOPROLIFERATION, AUTOSOMAL DOMINANT; Activated PI3K Delta Syndrome Type 1 (APDS1); p110-DELTA-ACTIVATING MUTATION CAUSING SENESCENT T CELLS, LYMPHADENOPATHY, AND IMMUNODEFICIENCY. Identifiers: Orphanet 397596, Orphanet 693661, MedGen C5907821, MONDO:0014222, OMIM 615513.

Allele frequency attached by ClinVar (database versions not stated): gnomAD 0.00001; gnomAD exomes 0.00001.
gnomAD v4.1: 4 of 1,612,856 alleles (0.00025%); highest among the groups gnomAD compares: Non-Finnish European, 0.00034%; no homozygotes.

Submission:

Labcorp Genetics (formerly Invitae), Labcorp
Classification: Uncertain significance for Activated PI3K-delta syndrome. Last evaluated: 2022-07-19. Review status: criteria provided, single submitter. Criteria: Invitae Variant Classification Sherloc (09022015). Collection method: clinical testing. Allele origin: germline.
Comment: ClinVar contains an entry for this variant (Variation ID: 1064359). This variant has not been reported in the literature in individuals affected with PIK3CD-related conditions. This variant is not present in population databases (gnomAD no frequency). This sequence change falls in intron 16 of the PIK3CD gene. It does not directly change the encoded amino acid sequence of the PIK3CD protein. It affects a nucleotide within the consensus splice site. In summary, the available evidence is currently insufficient to determine the role of this variant in disease. Therefore, it has been classified as a Variant of Uncertain Significance. Variants that disrupt the consensus splice site are a relatively common cause of aberrant splicing (PMID: 17576681, 9536098). Algorithms developed to predict the effect of sequence changes on RNA splicing suggest that this variant may create or strengthen a splice site.

Literature cited by the submitters: PubMed 17576681; PubMed 9536098.